The following is an entry in ClinVar:

NM_006005.3(WFS1):c.2091G>C (p.Arg697Ser)

Gene: WFS1 (wolframin ER transmembrane glycoprotein; plus strand). Cytogenetic location: 4p16.1.
Variant type: single nucleotide variant.
Coding change: c.2091G>C on transcript NM_006005.3 (MANE Select); coding-DNA position 2091, G replaced by C.
Protein change: p.Arg697Ser; replaces arginine 697 with serine.
Molecular consequence: missense variant.
Genome position (GRCh38, 1-based): chr4:6,301,886, G>C. VCF-style: chr4-6301886-G-C. GRCh37 (hg19) VCF-style: chr4-6303613-G-C.
Other names: c.2091G>C, p.Arg697Ser (NM_001145853.1); short protein forms R697S.
Identifiers: ClinVar variation 1406273 (VCV001406273.6), dbSNP rs566965548, ClinGen allele CA2839595.
Genomic context (GRCh38, chr4:6,301,886, plus strand): 5'-CTGGAAGGAGACCAACATGGCGCGCACCCAGATCCTCTGCAGCCACCTGGAGGGCCACAG[G>C]GTCACGTGGACCGGCCGCTTCAAGTACGTCCGCGTGACTGACATCGACAACAGCGCCGAG-3'
Protein context (NP_005996.2, residues 687-707): QILCSHLEGH[Arg697Ser]VTWTGRFKYV

ClinVar aggregate classification (germline): Uncertain significance (1 of 4 stars; one submission).

Allele frequency attached by ClinVar (database versions not stated): gnomAD exomes below 0.00001; ExAC 0.00001; gnomAD 0.00001; TOPMed 0.00001; 1000 Genomes Project 30x 0.00016; 1000 Genomes Project 0.00020.

Submission:

Labcorp Genetics (formerly Invitae), Labcorp
Classification: Uncertain significance. Last evaluated: 2021-09-18. Review status: criteria provided, single submitter. Criteria: Invitae Variant Classification Sherloc (09022015). Collection method: clinical testing. Allele origin: germline.
Comment: In summary, the available evidence is currently insufficient to determine the role of this variant in disease. Therefore, it has been classified as a Variant of Uncertain Significance. This sequence change replaces arginine with serine at codon 697 of the WFS1 protein (p.Arg697Ser). The arginine residue is highly conserved and there is a moderate physicochemical difference between arginine and serine. This variant is present in population databases (rs566965548, ExAC 0.01%). This variant has not been reported in the literature in individuals affected with WFS1-related conditions. Advanced modeling of protein sequence and biophysical properties (such as structural, functional, and spatial information, amino acid conservation, physicochemical variation, residue mobility, and thermodynamic stability) performed at Invitae indicates that this missense variant is not expected to disrupt WFS1 protein function.